The following is an entry in ClinVar:

NM_001009944.3(PKD1):c.6099G>A (p.Ala2033=)

Gene: PKD1 (polycystin 1, transient receptor potential channel interacting; minus strand). Cytogenetic location: 16p13.3.
Variant type: single nucleotide variant.
Coding change: c.6099G>A on transcript NM_001009944.3 (MANE Select); coding-DNA position 6099, G replaced by A.
Protein change: p.Ala2033=; no amino-acid change (alanine 2033 retained).
Molecular consequence: synonymous variant.
Genome position (GRCh38, 1-based): chr16:2,109,068, C>T on the plus strand (G>A on the coding strand, the complement: PKD1 is on the minus strand). VCF-style: chr16-2109068-C-T. GRCh37 (hg19) VCF-style: chr16-2159069-C-T.
Other names: c.6099G>A, p.Ala2033= (NM_000296.4).
Identifiers: ClinVar variation 433969 (VCV000433969.10), dbSNP rs376744819, ClinGen allele CA7831722.

ClinVar aggregate classification (germline): Likely benign. Review status: criteria provided, multiple submitters, no conflicts (2 of 4 stars). 5 submissions from 5 submitters: Likely benign (3). 2 of the submissions do not count toward it. Last evaluated 2024-10-23.

Conditions:
PKD1-related disorder. Also called: PKD1-related condition.
Polycystic kidney disease. Also called: Kidney, Polycystic; Polycystic kidney dysplasia. Identifiers: MedGen C0022680, MeSH D007690, MONDO:0020642, HP:0000113.

Allele frequency attached by ClinVar (database versions not stated): gnomAD 0.00009 and 0.00017; ESP Exome Variant Server 0.00015; TOPMed 0.00017; gnomAD exomes 0.00056; ExAC 0.00081; 1000 Genomes Project 30x 0.00094; 1000 Genomes Project 0.00100.
gnomAD v4.1: 449 of 1,605,992 alleles (0.028%); highest among the groups gnomAD compares: South Asian, 0.24%; 2 homozygotes.

Submissions (5):

Blueprint Genetics
Classification: Likely benign. Last evaluated: 2024-10-23. Review status: criteria provided, single submitter. Criteria: ACMG Guidelines, 2015. Collection method: clinical testing. Allele origin: germline.

GeneDx
Classification: Likely benign. Last evaluated: 2020-07-20. Review status: criteria provided, single submitter. Criteria: GeneDx Variant Classification Process June 2021. Collection method: clinical testing. Allele origin: germline. Affected: yes.

Breakthrough Genomics
Classification: Likely benign. Review status: criteria provided, single submitter. Criteria: ACMG Guidelines, 2015. Collection method: not provided. Allele origin: germline. Inheritance: Autosomal dominant inheritance. Affected: yes.

PreventionGenetics, part of Exact Sciences
Classification: Likely benign for PKD1-related condition. Last evaluated: 2021-10-04. Review status: no assertion criteria provided. Collection method: clinical testing. Allele origin: germline. Not counted in ClinVar's aggregate classification.
Comment: This variant is classified as likely benign based on ACMG/AMP sequence variant interpretation guidelines (Richards et al. 2015 PMID: 25741868, with internal and published modifications).

Department of Pathology and Laboratory Medicine, Sinai Health System
Classification: Likely benign for Polycystic Kidney disease. Review status: no assertion criteria provided. Collection method: clinical testing. Allele origin: unknown. Affected: yes. Study: The Canadian Open Genetics Repository (COGR). Not counted in ClinVar's aggregate classification.
Comment: The PKD1, p.Ala2033Ala variant was not identified in the literature, nor was it identified in the Clinvitae, ClinVar, MutDB, PKD1-LOVD and PKD1-LOVD 3.0 databases. The variant was identified in dbSNP (ID: rs376744819) as â€šÃ„ÃºN/Aâ€šÃ„Ã¹. This variant was also identified in the 1000 Genomes Project in 5 of 5000 chromosomes (frequency: 0.001); NHLBI GO Exome Sequencing Project in 2 of 8570 European American and not found in African American alleles; in the Exome Aggregation Consortium database (March 14, 2016) in 93 (1 homozygous) of 114196 chromosomes (freq. 0.0008) in the following populations: East Asian in 16 of 8378 chromosomes (freq. 0.002), South Asian in 30 of 16244 chromosomes (freq. 0.002), European (Non-Finnish) in 46 of 62058 chromosomes (freq. 0.0007), and Finnish in 1 of 6366 chromosomes (freq. 0.0002), but was not seen in African, Latino and Other populations, increasing the likelihood this could be a low frequency benign variant. We are not able to rule out that variant data from control databases is specific to PKD1 and not from one of the six PKD1 pseudogenes. The variant was also identified in ADPKD Mutation Database classified as Likely Neutral. The p.Ala2033Ala variant is not expected to have clinical significance because it does not result in a change of amino acid and is not located in a known consensus splice site. The variant occurs outside of the splicing consensus sequence and 4 of 5 in silico or computational prediction software programs (SpliceSiteFinder, MaxEntScan, NNSPLICE, GeneSplicer, HumanSpliceFinder) predict a greater than 10% chance that the variant creats a 3â€šÃ„Ã´ splice site. However, this information is not predictive enough to assume pathogenicity. In summary, based on the above information, the clinical significance of this variant cannot be determined with certainty at this time although we would lean towards a more benign role for this variant. This variant is classified as likely benign.